The following is an entry in ClinVar:

ClinVar aggregate classification (germline): Pathogenic/Likely pathogenic. Review status: criteria provided, multiple submitters, no conflicts (2 of 4 stars). 15 submissions from 15 submitters: Pathogenic (12); Likely pathogenic (1). 2 of the submissions do not count toward it. Last evaluated 2026-07-14.

Conditions:
PALB2-related disorder. Also called: PALB2-related disorders; PALB2-related condition.
Familial cancer of breast. Also called: hereditary breast carcinoma; Hereditary breast cancer; BREAST CANCER, FAMILIAL. Identifiers: Orphanet 227535, MedGen C0346153, MONDO:0016419, OMIM 114480. Disease mechanism: loss of function.
Fanconi anemia complementation group N. Also called: PALB2-Related Fanconi Anemia. Identifiers: Orphanet 84, MedGen C1835817, MONDO:0012565, OMIM 610832. Disease mechanism: loss of function.
Pancreatic cancer, susceptibility to, 3. Identifiers: Orphanet 1333, MedGen C3150547, MONDO:0013236, OMIM 613348.
Hereditary cancer-predisposing syndrome. Also called: Neoplastic Syndromes, Hereditary; Tumor predisposition; Hereditary Cancer Syndrome; Hereditary neoplastic syndrome. Identifiers: Orphanet 140162, MedGen C0027672, MeSH D009386, MONDO:0015356.
Hereditary breast ovarian cancer syndrome. Also called: BRCA1- and BRCA2-Associated Hereditary Breast and Ovarian Cancer; Hereditary breast and ovarian cancer; Hereditary breast and ovarian cancer syndrome; Hereditary breast and ovarian cancer syndrome (HBOC); Breast and ovarian cancer; Hereditary breast and/or ovarian cancer syndrome. Identifiers: Orphanet 145, MedGen C0677776, MeSH D061325, MONDO:0003582. Disease mechanism: loss of function.

Submissions 1 to 11 of 15:

PreventionGenetics, part of Exact Sciences
Classification: Pathogenic for PALB2-related condition. Last evaluated: 2026-07-14. Review status: criteria provided, single submitter. Criteria: ACMG Guidelines, 2015. Collection method: clinical testing. Allele origin: germline.
Comment: The PALB2 c.3048delT variant is predicted to result in a frameshift and premature protein termination (p.Phe1016Leufs*17). This variant has been reported in individuals with breast or ovarian cancer (see, for example: Zheng et al. 2012. PubMed ID: 21932393; Churpek et al. 2015. PubMed ID: 25428789; Table S7, Lilyquist et al. 2017. PubMed ID: 28888541). It has also been reported in an individual with head and neck sqaumous cell carcinoma (Table S2A, Huang et al. 2018. PubMed ID: 29625052). This variant has not been reported in a large population database (gnomAD), indicating it is rare. Frameshift variants in PALB2 are expected to be pathogenic, and this variant has been interpreted as pathogenic or likely pathogenic in ClinVar (Variation ID: 126707). This variant is interpreted as pathogenic.

Labcorp Genetics (formerly Invitae), Labcorp
Classification: Pathogenic for Familial cancer of breast. Last evaluated: 2025-12-10. Review status: criteria provided, single submitter. Criteria: Invitae Variant Classification Sherloc (09022015). Collection method: clinical testing. Allele origin: germline.
Comment: This sequence change creates a premature translational stop signal (p.Phe1016Leufs*17) in the PALB2 gene. It is expected to result in an absent or disrupted protein product. Loss-of-function variants in PALB2 are known to be pathogenic (PMID: 17200668, 17200671, 17200672, 24136930, 25099575). This variant is present in population databases (rs515726104, gnomAD 0.0009%). This premature translational stop signal has been observed in individual(s) with breast cancer (PMID: 21932393, 25428789). ClinVar contains an entry for this variant (Variation ID: 126707). For these reasons, this variant has been classified as Pathogenic.

Ambry Genetics
Classification: Pathogenic for Hereditary cancer-predisposing syndrome. Last evaluated: 2025-08-13. Review status: criteria provided, single submitter. Criteria: Ambry Variant Classification Scheme 2023. Collection method: clinical testing. Allele origin: germline.
Comment: The c.3048delT (p.F1016Lfs*17) alteration, located in exon 10 (coding exon 10) of the PALB2 gene, consists of a deletion of one nucleotide at position 3048, causing a translational frameshift with a predicted alternate stop codon after 17 amino acids. This alteration is expected to result in loss of function by premature protein truncation or nonsense-mediated mRNA decay. This variant was not reported in population-based cohorts in the Genome Aggregation Database (gnomAD). Based on the available evidence, this alteration is classified as pathogenic.

Molecular Pathology, Peter Maccallum Cancer Centre
Classification: Pathogenic for Familial cancer of breast. Last evaluated: 2024-05-10. Review status: criteria provided, single submitter. Criteria: ACMG Guidelines, 2015. Collection method: clinical testing. Allele origin: germline. Inheritance: Autosomal dominant inheritance.

Baylor Genetics
Classification: Pathogenic for Familial cancer of breast. Last evaluated: 2024-02-24. Review status: criteria provided, single submitter. Criteria: ACMG Guidelines, 2015. Collection method: clinical testing. Allele origin: unknown.

GeneDx
Classification: Pathogenic. Last evaluated: 2023-11-21. Review status: criteria provided, single submitter. Criteria: GeneDx Variant Classification Process June 2021. Collection method: clinical testing. Allele origin: germline. Affected: yes.
Comment: Frameshift variant predicted to result in protein truncation or nonsense mediated decay in a gene for which loss of function is a known mechanism of disease; Not observed at significant frequency in large population cohorts (gnomAD); Truncating variants in this gene are considered pathogenic by a well-established clinical consortium and/or database; Observed in individuals with a personal or family history consistent with pathogenic variants in this gene (PMID: 21932393, 25186627, 37169825); This variant is associated with the following publications: (PMID: 28888541, 21932393, 25186627, 25428789, 24870022, 22692731, 29625052, 26689913, 32339256, 30287823, 30128536, 29486991, 36451132, 27153395, 37169825, 29922827)

Quest Diagnostics Nichols Institute San Juan Capistrano
Classification: Pathogenic. Last evaluated: 2023-06-13. Review status: criteria provided, single submitter. Criteria: Quest Diagnostics criteria. Collection method: clinical testing. Allele origin: unknown.
Comment: The PALB2 c.3048del (p.Phe1016Leufs*17) variant alters the translational reading frame of the PALB2 mRNA and causes the premature termination of PALB2 protein synthesis. This variant has been reported in the published literature in individuals with breast and/or ovarian cancer (PMIDs: 32339256 (2020), 30128536 (2019), 30287823 (2018), 29486991 (2018), 28888541 (2017), 27153395 (2016), 25428789 (2015), 25186627 (2015), 21932393 (2012), 22692731 (2012)), head and neck squamous cell carcinoma (PMIDs: 29625052 (2018), 26689913 (2015)), as well as in healthy individuals (PMID: 29922827 (2018)). This variant has not been reported in large, multi-ethnic general populations (Genome Aggregation Database). Based on the available information, this variant is classified as pathogenic.

Myriad Genetics, Inc.
Classification: Pathogenic for Familial cancer of breast. Last evaluated: 2023-03-31. Review status: criteria provided, single submitter. Criteria: Myriad Autosomal Dominant, Autosomal Recessive and X-Linked Classification Criteria (2023). Collection method: clinical testing. Allele origin: unknown.
Comment: This variant is considered pathogenic. This variant creates a frameshift predicted to result in premature protein truncation.

Color Diagnostics, LLC DBA Color Health
Classification: Pathogenic for Hereditary cancer-predisposing syndrome. Last evaluated: 2021-12-21. Review status: criteria provided, single submitter. Criteria: ACMG Guidelines, 2015. Collection method: clinical testing. Allele origin: germline.
Comment: This variant deletes 1 nucleotide in exon 10 of the PALB2 gene, creating a frameshift and premature translation stop signal. This variant is expected to result in an absent or non-functional protein product. To our knowledge, functional studies have not been reported for this variant. This variant has been reported in individuals affected with breast or ovarian cancer (PMID: 21932393, 25428789, 27153395, 30128536, 30287823). In a breast cancer case-control study, this variant was identified in 1/7051 female breast cancer cases and was absent in any controls (PMID: 30287823). This variant has been identified in 1/246228 chromosomes in the general population by the Genome Aggregation Database (gnomAD). Loss of PALB2 function is a known mechanism of disease. Based on the available evidence, this variant is classified as Pathogenic.

Fulgent Genetics
Classification: Pathogenic for Familial cancer of breast; Fanconi anemia complementation group N; Pancreatic cancer, susceptibility to, 3. Last evaluated: 2021-11-01. Review status: criteria provided, single submitter. Criteria: ACMG Guidelines, 2015. Collection method: clinical testing. Allele origin: unknown.

Women's Health and Genetics/Laboratory Corporation of America, LabCorp
Classification: Pathogenic for Hereditary breast and ovarian cancer syndrome. Last evaluated: 2019-12-09. Review status: criteria provided, single submitter. Criteria: LabCorp Variant Classification Summary - May 2015. Collection method: clinical testing. Allele origin: germline.
Comment: Variant summary: PALB2 c.3048delT (p.Phe1016LeufsX17) results in a premature termination codon, predicted to cause a truncation of the encoded protein or absence of the protein due to nonsense mediated decay, which are commonly known mechanisms for disease. Truncations downstream of this position have been classified as pathogenic by our laboratory. The variant was absent in 251448 control chromosomes (gnomAD). c.3048delT has been reported in the literature in individuals affected with breast and/or ovarian cancer (Zheng_2012, Tung_2014, Barrington_2018, Lu_2018). These data indicate that the variant is likely to be associated with disease. To our knowledge, no experimental evidence demonstrating an impact on protein function has been reported. Five ClinVar submissions (evaluation after 2014) cite the variant as pathogenic. Based on the evidence outlined above, the variant was classified as pathogenic.

NM_024675.4(PALB2):c.3048del (p.Phe1016fs)

Gene: PALB2 (partner and localizer of BRCA2; minus strand). Cytogenetic location: 16p12.2.
Variant type: Deletion.
Coding change: c.3048del on transcript NM_024675.4 (MANE Select); coding-DNA position 3048, one base deleted (T; older notation c.3048delT).
Protein change: p.Phe1016fs; shifts the reading frame from phenylalanine 1016.
Molecular consequence: frameshift variant.
Genome position (GRCh38, 1-based): chr16:23,621,427, A deleted on the plus strand (T on the coding strand, the reverse complement: PALB2 is on the minus strand); the first of 4 consecutive A bases (chr16:23,621,427-23,621,430); deleting any one gives the same sequence. VCF-style (leftmost placement, unchanged base first): chr16-23621426-CA-C. GRCh37 (hg19) VCF-style: chr16-23632747-CA-C.
Other names: c.3048delT (NM_024675.3); short protein forms F1016fs.
Identifiers: ClinVar variation 126707 (VCV000126707.43), dbSNP rs515726104, ClinGen allele CA165090.